The following is an entry in ClinVar:

ClinVar aggregate classification (germline): Likely benign. Review status: criteria provided, single submitter (1 of 4 stars). 3 submissions from 3 submitters: Likely benign (1). 2 of the submissions do not count toward it. Last evaluated 2025-03-20.

Conditions:
CEP290-related disorder. Also called: CEP290-related condition; CEP290-related disorders. Identifiers: MedGen CN239314.
Joubert syndrome. Also called: CEREBELLOPARENCHYMAL DISORDER IV; JOUBERT-BOLTSHAUSER SYNDROME; Familial aplasia of the vermis. Identifiers: Orphanet 475, MedGen C5979921, MONDO:0018772.
Meckel-Gruber syndrome. Also called: Dysencephalia splachnocystica; DYSENCEPHALIA SPLANCHNOCYSTICA; GRUBER SYNDROME. Identifiers: Orphanet 564, MedGen C0265215, MONDO:0018921.
Nephronophthisis. Also called: Juvenile Nephronophthisis. Identifiers: Orphanet 655, MedGen C0687120, MONDO:0019005, HP:0000090.
Leber congenital amaurosis (LCA). Also called: Leber's amaurosis. Identifiers: Orphanet 65, MedGen C0339527, MeSH D057130, MONDO:0018998.

Allele frequency attached by ClinVar (database versions not stated): ExAC 0.00001; gnomAD 0.00001; gnomAD exomes 0.00001 and 0.00003; TOPMed 0.00003.
gnomAD v4.1: 12 of 1,610,622 alleles (0.00075%); highest among the groups gnomAD compares: African/African-American, 0.012%; no homozygotes.

Submissions (3):

Labcorp Genetics (formerly Invitae), Labcorp
Classification: Likely benign for Joubert syndrome; Meckel-Gruber syndrome; Nephronophthisis. Last evaluated: 2025-03-20. Review status: criteria provided, single submitter. Criteria: Invitae Variant Classification Sherloc (09022015). Collection method: clinical testing. Allele origin: germline.

PreventionGenetics, part of Exact Sciences
Classification: Likely benign for CEP290-related condition. Last evaluated: 2024-07-01. Review status: no assertion criteria provided. Collection method: clinical testing. Allele origin: germline. Not counted in ClinVar's aggregate classification.
Comment: This variant is classified as likely benign based on ACMG/AMP sequence variant interpretation guidelines (Richards et al. 2015 PMID: 25741868, with internal and published modifications).

Natera, Inc.
Classification: Uncertain significance for Leber congenital amaurosis. Last evaluated: 2020-03-11. Review status: no assertion criteria provided. Collection method: clinical testing. Allele origin: germline. Not counted in ClinVar's aggregate classification.

NM_025114.4(CEP290):c.3420A>G (p.Glu1140=)

Gene: CEP290 (centrosomal protein 290; minus strand). Cytogenetic location: 12q21.32.
Variant type: single nucleotide variant.
Coding change: c.3420A>G on transcript NM_025114.4 (MANE Select); coding-DNA position 3420, A replaced by G.
Protein change: p.Glu1140=; no amino-acid change (glutamic acid 1140 retained).
Molecular consequence: synonymous variant.
Genome position (GRCh38, 1-based): chr12:88,092,722, T>C on the plus strand (A>G on the coding strand, the complement: CEP290 is on the minus strand). VCF-style: chr12-88092722-T-C. GRCh37 (hg19) VCF-style: chr12-88486499-T-C.
Identifiers: ClinVar variation 704313 (VCV000704313.13), dbSNP rs762723146, ClinGen allele CA6712146.
Genomic context (GRCh38, chr12:88,092,722, plus strand): 5'-AATGCTTATATGCACTTACTTTGACACTTCAACTTTTAGTTCCATTTCATTCTTCTCTAA[T>C]TCTAGAATCCGTTGCCTATCAGCATCACTTACTGCCTTGCTCACACTATCAGCTAATTCA-3'
Protein context (NP_079390.3, residues 1130-1150): VSDADRQRIL[Glu1140=]LEKNEMELKV